The following is an entry in ClinVar:

ClinVar aggregate classification (germline): Uncertain significance (1 of 4 stars; one submission).

Allele frequency attached by ClinVar (database versions not stated): 1000 Genomes Project 30x 0.00016.
gnomAD v4.1: 55 of 1,611,956 alleles (0.0034%); highest among the groups gnomAD compares: South Asian, 0.053%; no homozygotes.

Submission:

Labcorp Genetics (formerly Invitae), Labcorp
Classification: Uncertain significance. Last evaluated: 2022-04-08. Review status: criteria provided, single submitter. Criteria: Invitae Variant Classification Sherloc (09022015). Collection method: clinical testing. Allele origin: germline.
Comment: This variant is present in population databases (rs35597447, gnomAD 0.06%). This variant has not been reported in the literature in individuals affected with PNPLA8-related conditions. Algorithms developed to predict the effect of missense changes on protein structure and function output the following: SIFT: "Tolerated"; PolyPhen-2: "Benign"; Align-GVGD: "Class C0". The histidine amino acid residue is found in multiple mammalian species, which suggests that this missense change does not adversely affect protein function. This sequence change replaces arginine, which is basic and polar, with histidine, which is basic and polar, at codon 217 of the PNPLA8 protein (p.Arg217His). In summary, the available evidence is currently insufficient to determine the role of this variant in disease. Therefore, it has been classified as a Variant of Uncertain Significance.

NM_001256007.3(PNPLA8):c.650G>A (p.Arg217His)

Gene: PNPLA8 (patatin like domain 8, phospholipase A2; minus strand). Cytogenetic location: 7q31.1.
Variant type: single nucleotide variant.
Coding change: c.650G>A on transcript NM_001256007.3 (MANE Select); coding-DNA position 650, G replaced by A.
Protein change: p.Arg217His; replaces arginine 217 with histidine.
Molecular consequence: missense variant.
Genome position (GRCh38, 1-based): chr7:108,514,842, C>T on the plus strand (G>A on the coding strand, the complement: PNPLA8 is on the minus strand). VCF-style: chr7-108514842-C-T. GRCh37 (hg19) VCF-style: chr7-108155286-C-T.
Other names: c.650G>A, p.Arg217His (NM_001256008.3, NM_001256009.3, NM_015723.5); c.350G>A, p.Arg117His (NM_001256010.3, NM_001256011.3); short protein forms R117H, R217H.
Identifiers: ClinVar variation 1929514 (VCV001929514.4), dbSNP rs35597447, ClinGen allele CA4439784.